The following is an entry in ClinVar:

ClinVar aggregate classification (germline): Uncertain significance. Review status: criteria provided, multiple submitters, no conflicts (2 of 4 stars). 2 submissions from 2 submitters: Uncertain significance (2). Last evaluated 2024-10-22.

Allele frequency attached by ClinVar (database versions not stated): gnomAD 0.00001; gnomAD exomes 0.00001; TOPMed 0.00001.
gnomAD v4.1: 10 of 1,613,968 alleles (0.00062%); highest among the groups gnomAD compares: East Asian, 0.0045%; no homozygotes.

Submissions (2):

Labcorp Genetics (formerly Invitae), Labcorp
Classification: Uncertain significance. Last evaluated: 2024-10-22. Review status: criteria provided, single submitter. Criteria: Invitae Variant Classification Sherloc (09022015). Collection method: clinical testing. Allele origin: germline.
Comment: This sequence change replaces arginine, which is basic and polar, with histidine, which is basic and polar, at codon 4071 of the FAT2 protein (p.Arg4071His). This variant is not present in population databases (gnomAD no frequency). This variant has not been reported in the literature in individuals affected with FAT2-related conditions. ClinVar contains an entry for this variant (Variation ID: 1921007). An algorithm developed to predict the effect of missense changes on protein structure and function outputs the following: PolyPhen-2: "Benign". The histidine amino acid residue is found in multiple mammalian species, which suggests that this missense change does not adversely affect protein function. In summary, the available evidence is currently insufficient to determine the role of this variant in disease. Therefore, it has been classified as a Variant of Uncertain Significance.

CeGaT Center for Human Genetics Tuebingen
Classification: Uncertain significance. Last evaluated: 2022-09-01. Review status: criteria provided, single submitter. Criteria: CeGaT Center For Human Genetics Tuebingen Variant Classification Criteria Version 2. Collection method: clinical testing. Allele origin: germline. Affected: yes. Observed: 1 variant allele.
Comment: FAT2: PM2, BP4

NM_001447.3(FAT2):c.12212G>A (p.Arg4071His)

Genes: SLC36A1 (solute carrier family 36 member 1; plus strand), FAT2 (FAT atypical cadherin 2; minus strand). Cytogenetic location: 5q33.1.
Variant type: single nucleotide variant.
Coding change: c.12212G>A on transcript NM_001447.3 (MANE Select); coding-DNA position 12212, G replaced by A.
Protein change: p.Arg4071His; replaces arginine 4071 with histidine.
Molecular consequence: missense variant.
Genome position (GRCh38, 1-based): chr5:151,507,459, C>T on the plus strand (G>A on the coding strand, the complement: FAT2 is on the minus strand). VCF-style: chr5-151507459-C-T. GRCh37 (hg19) VCF-style: chr5-150887020-C-T.
Other names: short protein forms R4071H.
Identifiers: ClinVar variation 1921007 (VCV001921007.29), dbSNP rs1448093304, ClinGen allele CA361819669.